The following is an entry in ClinVar:

ClinVar aggregate classification (germline): Pathogenic/Likely pathogenic. Review status: criteria provided, multiple submitters, no conflicts (2 of 4 stars). 7 submissions from 7 submitters: Pathogenic (4); Likely pathogenic (3). Last evaluated 2026-02-01.

Conditions:
Cardiovascular phenotype. Identifiers: MedGen CN230736.
FLNC-related disorder. Also called: FLNC-related condition; FLNC-related disorders.
Hypertrophic cardiomyopathy 26. Also called: Cardiomyopathy, familial hypertrophic, 26. Identifiers: Orphanet 75249, MedGen C4310749, MONDO:0014883, OMIM 617047.
Distal myopathy with posterior leg and anterior hand involvement. Also called: WILLIAMS DISTAL MYOPATHY. Identifiers: Orphanet 63273, MedGen C3279722, MONDO:0013550, OMIM 614065.
Myofibrillar myopathy 5. Also called: Filaminopathy (type); FILAMINOPATHY, AUTOSOMAL DOMINANT. Identifiers: Orphanet 171445, MedGen C1836050, MONDO:0012289, OMIM 609524.
Arrhythmogenic right ventricular cardiomyopathy (ARVD). Also called: Arrhythmogenic right ventricular dysplasia; Arrhythmogenic cardiomyopathy; Arrhythmogenic Right Ventricular Cardiomyopathy (ARVC); Cardiomyopathy, ARVC. Identifiers: Orphanet 247, MedGen C0349788, MeSH D019571, MONDO:0016587. Disease mechanism: loss of function. Inheritance: Various modes of inheritance.
Primary dilated cardiomyopathy (DCM). Also called: Dilated Cardiomyopathy. Identifiers: Orphanet 217604, MedGen C0007193, MeSH D002311, MONDO:0005021, HP:0001644. Inheritance: Various modes of inheritance.

Allele frequency attached by ClinVar (database versions not stated): TOPMed below 0.00001.
gnomAD v4.1: 3 of 1,614,090 alleles (0.00019%); highest among the groups gnomAD compares: Non-Finnish European, 0.00025%; no homozygotes.

Submissions (7):

Labcorp Genetics (formerly Invitae), Labcorp
Classification: Pathogenic for Distal myopathy with posterior leg and anterior hand involvement; Myofibrillar myopathy 5; Hypertrophic cardiomyopathy 26. Last evaluated: 2026-02-01. Review status: criteria provided, single submitter. Criteria: Invitae Variant Classification Sherloc (09022015). Collection method: clinical testing. Allele origin: germline.
Comment: This sequence change creates a premature translational stop signal (p.Arg991*) in the FLNC gene. It is expected to result in an absent or disrupted protein product. Loss-of-function variants in FLNC are known to be pathogenic (PMID: 27908349). This variant is not present in population databases (gnomAD no frequency). This premature translational stop signal has been observed in individual(s) with dilated cardiomyopathy (PMID: 27601210, 31317183, 31627847). ClinVar contains an entry for this variant (Variation ID: 267288). For these reasons, this variant has been classified as Pathogenic.

Fulgent Genetics
Classification: Likely pathogenic for Myofibrillar myopathy 5; Distal myopathy with posterior leg and anterior hand involvement; Hypertrophic cardiomyopathy 26. Last evaluated: 2024-06-13. Review status: criteria provided, single submitter. Criteria: ACMG Guidelines, 2015. Collection method: clinical testing. Allele origin: germline.

KardioGenetik, Herz- und Diabeteszentrum NRW
Classification: Likely pathogenic for Hypertrophic cardiomyopathy 26. Last evaluated: 2024-02-29. Review status: criteria provided, single submitter. Criteria: ACMG Guidelines, 2015. Collection method: clinical testing. Allele origin: unknown. Affected: yes. Observed: 1 variant allele.

Ambry Genetics
Classification: Pathogenic for Cardiovascular phenotype. Last evaluated: 2023-10-17. Review status: criteria provided, single submitter. Criteria: Ambry Variant Classification Scheme 2023. Collection method: clinical testing. Allele origin: germline.
Comment: The p.R991* pathogenic mutation (also known as c.2971C>T), located in coding exon 20 of the FLNC gene, results from a C to T substitution at nucleotide position 2971. This changes the amino acid from an arginine to a stop codon within coding exon 20. This variant is considered to be rare based on population cohorts in the Genome Aggregation Database (gnomAD). This variant co-occurred with a second FLNC alteration in trans in siblings reported to have dilated cardiomyopathy (DCM) in childhood, and extracardiac features (Reinstein E et al. Eur J Hum Genet, 2016 Dec;24:1792-1796). This variant has also been detected in additional individuals with features of arrhythmogenic cardiomyopathy, DCM, and myocarditis-like phenotypes (Augusto JB et al. Eur Heart J Cardiovasc Imaging, 2020 Mar;21:326-336; Hall CL et al. Int J Cardiol, 2020 May;307:101-108; Peretto G et al. JACC Basic Transl Sci, 2023 Jul;8:755-765). This alteration is expected to result in loss of function by premature protein truncation or nonsense-mediated mRNA decay. Based on the supporting evidence, this variant is expected to be causative of FLNC-related dilated cardiomyopathy; however, its clinical significance for FLNC-related hypertrophic/restrictive cardiomyopathy and/or skeletal myopathy is unclear.

Victorian Clinical Genetics Services, Murdoch Childrens Research Institute
Classification: Pathogenic for Arrhythmogenic right ventricular cardiomyopathy. Last evaluated: 2022-09-02. Review status: criteria provided, single submitter. Criteria: ACMG Guidelines, 2015. Collection method: clinical testing. Allele origin: germline. Inheritance: Autosomal dominant inheritance. Affected: yes.
Comment: Based on the classification scheme VCGS_Germline_v1.3.4, this variant is classified as Pathogenic. Following criteria are met: 0103 - Loss of function and gain of function are known mechanisms of disease in this gene. Loss of function is the established mechanism of disease for variants in dilated cardiomyopathy, hypertrophic cardiomyopathy, restrictive cardiomyopathy (MIM#617047) and myofibrillar myopathy (MIM#609524), and recently has been associated with arrhythmogenic right ventricular cardiomyopathy (ARVC; PMID: 31627847). In distal myopathy (MIM#614065), NMD-predicted variants cause a loss of function, however missense variants have been shown to result in a toxic gain of function (PMID: 32112656). (I) 0107 - This gene is associated with autosomal dominant disease. (I) 0115 - Variants in this gene are known to have variable expressivity. In four families with ARVC associated with FLNC variants, majority of variant carriers had ECG repolarisation and depolarisation abnormalities, which in isolation, are not considered diagnostic criteria for ARVC, and had no detectable echocardiographic disease features (PMID: 31627847). (I) 0201 - Variant is predicted to cause nonsense-mediated decay (NMD) and loss of protein (premature termination codon is located at least 54 nucleotides upstream of the final exon-exon junction). (SP) 0251 - This variant is heterozygous. (I) 0301 - Variant is absent from gnomAD (both v2 and v3). (SP) 0701 - Other premature termination variants comparable to the one identified in this case have very strong previous evidence for pathogenicity. Many NMD-predicted variants in this gene have been reported as pathogenic/like pathogenic (ClinVar, PMID: 31627847). (SP) 0803 - This variant has limited previous evidence of pathogenicity in unrelated individuals. It has been reported in a proband with arrhythmogenic cardiomyopathy, and three family members including two with borderline/possible diagnosis of ARVC (PMID: 31627847). In addition, this variant has been reported as compound heterozygous in two siblings with paediatric DCM and other clinical features, and heterozygous in three family members who had normal echocardiograms (PMID: 27601210). It has also been reported as likely pathogenic by a clinical testing laboratory in an individual with DCM and an individual with muscle weakness (ClinVar, personal communication). (SP) 1002 - This variant has moderate functional evidence supporting abnormal protein function. Mutant FLNC protein was not detectable in transfected rat cardiac myoblasts (PMID: 27601210). (SP) 1208 - Inheritance information for this variant is not currently available in this individual. (I) Legend: (SP) - Supporting pathogenic, (I) - Information, (SB) - Supporting benign

Laboratory for Molecular Medicine, Mass General Brigham Personalized Medicine
Classification: Pathogenic for Primary dilated cardiomyopathy. Last evaluated: 2021-09-09. Review status: criteria provided, single submitter. Criteria: ACMG Guidelines, 2015. Collection method: clinical testing. Allele origin: germline. Inheritance: Autosomal dominant inheritance.
Comment: The p.Arg991X variant in FLNC has been reported in 4 individuals with dilated cardiomyopathy (DCM; Augusto 2019 PMID: 31317183). It has also been reported in 1 individual with arrhythmogenic cardiomyopathy and segregated with disease in 1 affected and 1 possibly affected relative from one family (Hall 2019 PMID: 31627847). This variant has been reported by other clinical laboratories in ClinVar (Variation ID: 267288) and was absent from large population studies. This nonsense variant leads to a premature termination codon at position 991, which is predicted to lead to a truncated or absent protein. Loss of function of the FLNC gene is an established disease mechanism in autosomal dominant DCM. In summary, this variant meets criteria to be classified as pathogenic for autosomal dominant DCM. ACMG/AMP Criteria applied: PVS1, PM2_Supporting, PS4_Supporting.

Blueprint Genetics
Classification: Likely pathogenic for FLNC-related disorders. Last evaluated: 2019-12-31. Review status: criteria provided, single submitter. Criteria: ACMG Guidelines, 2015. Collection method: clinical testing. Allele origin: germline. Affected: yes. Observed: 1 variant allele.

Literature cited by the submitters: PubMed 27908349 (cited by Labcorp Genetics (formerly Invitae), Labcorp); PubMed 27601210 (cited by 4 submitters); PubMed 31317183 (cited by 3 submitters); PubMed 31627847 (cited by 4 submitters); PubMed 37547072 (cited by Ambry Genetics); PubMed 32112656 (cited by Victorian Clinical Genetics Services, Murdoch Childrens Research Institute).

NM_001458.5(FLNC):c.2971C>T (p.Arg991Ter)

Gene: FLNC (filamin C; plus strand). Cytogenetic location: 7q32.1.
Variant type: single nucleotide variant.
Coding change: c.2971C>T on transcript NM_001458.5 (MANE Select); coding-DNA position 2971, C replaced by T.
Protein change: p.Arg991Ter; replaces arginine 991 with a stop codon.
Molecular consequence: nonsense.
Genome position (GRCh38, 1-based): chr7:128,844,045, C>T. VCF-style: chr7-128844045-C-T. GRCh37 (hg19) VCF-style: chr7-128484099-C-T.
Other names: c.2971C>T, p.Arg991Ter (NM_001127487.2); short protein forms R991*.
Identifiers: ClinVar variation 267288 (VCV000267288.18), dbSNP rs886037830, ClinGen allele CA166177514.